The following is an entry in ClinVar:

NM_032043.3(BRIP1):c.3547A>C (p.Arg1183=)

Gene: BRIP1 (BRCA1 interacting DNA helicase 1; minus strand). Cytogenetic location: 17q23.2.
Variant type: single nucleotide variant.
Coding change: c.3547A>C on transcript NM_032043.3 (MANE Select); coding-DNA position 3547, A replaced by C.
Protein change: p.Arg1183=; no amino-acid change (arginine 1183 retained).
Molecular consequence: synonymous variant.
Genome position (GRCh38, 1-based): chr17:61,683,499, T>G on the plus strand (A>C on the coding strand, the complement: BRIP1 is on the minus strand). VCF-style: chr17-61683499-T-G. GRCh37 (hg19) VCF-style: chr17-59760860-T-G.
Identifiers: ClinVar variation 3378990 (VCV003378990.1).

ClinVar aggregate classification (germline): Benign (1 of 4 stars; one submission).

Conditions:
Familial cancer of breast. Also called: hereditary breast carcinoma; Hereditary breast cancer; BREAST CANCER, FAMILIAL. Identifiers: Orphanet 227535, MedGen C0346153, MONDO:0016419, OMIM 114480. Disease mechanism: loss of function.

Submission:

Myriad Genetics, Inc.
Classification: Benign for Familial cancer of breast. Last evaluated: 2024-09-10. Review status: criteria provided, single submitter. Criteria: Myriad Autosomal Dominant, Autosomal Recessive and X-Linked Classification Criteria (2023). Collection method: clinical testing. Allele origin: unknown.
Comment: This variant is considered benign. This variant is a silent/synonymous amino acid change and it is not expected to impact splicing.